The following is an entry in ClinVar:

NM_003482.4(KMT2D):c.15475C>T (p.Arg5159Trp)

Gene: KMT2D (lysine methyltransferase 2D; minus strand). Cytogenetic location: 12q13.12.
Variant type: single nucleotide variant.
Coding change: c.15475C>T on transcript NM_003482.4 (MANE Select); coding-DNA position 15475, C replaced by T.
Protein change: p.Arg5159Trp; replaces arginine 5159 with tryptophan.
Molecular consequence: missense variant.
Genome position (GRCh38, 1-based): chr12:49,026,491, G>A on the plus strand (C>T on the coding strand, the complement: KMT2D is on the minus strand). VCF-style: chr12-49026491-G-A. GRCh37 (hg19) VCF-style: chr12-49420274-G-A.
Other names: short protein forms R5159W.
Identifiers: ClinVar variation 3635086 (VCV003635086.3).

ClinVar aggregate classification (germline): Uncertain significance. Review status: criteria provided, multiple submitters, no conflicts (2 of 4 stars). 2 submissions from 2 submitters: Uncertain significance (2). Last evaluated 2026-04-24.

Conditions:
Kabuki syndrome. Also called: NIIKAWA-KUROKI SYNDROME; Kabuki make-up syndrome. Identifiers: Orphanet 2322, MedGen C0796004, MONDO:0016512.

gnomAD v4.1: 1 of 1,613,856 alleles (0.000062%); highest among the groups gnomAD compares: Non-Finnish European, 0.000085%; no homozygotes.

Submissions (2):

GeneDx
Classification: Uncertain significance. Last evaluated: 2026-04-24. Review status: criteria provided, single submitter. Criteria: GeneDx Variant Classification Process June 2021. Collection method: clinical testing. Allele origin: germline.
Comment: Not observed at significant frequency in large population cohorts (gnomAD); In silico analysis supports that this missense variant has a deleterious effect on protein structure/function; Has not been previously published as pathogenic or benign to our knowledge

Labcorp Genetics (formerly Invitae), Labcorp
Classification: Uncertain significance for Kabuki syndrome. Last evaluated: 2024-08-15. Review status: criteria provided, single submitter. Criteria: Invitae Variant Classification Sherloc (09022015). Collection method: clinical testing. Allele origin: germline.
Comment: This sequence change replaces arginine, which is basic and polar, with tryptophan, which is neutral and slightly polar, at codon 5159 of the KMT2D protein (p.Arg5159Trp). This variant is not present in population databases (gnomAD no frequency). This variant has not been reported in the literature in individuals affected with KMT2D-related conditions. Invitae Evidence Modeling of protein sequence and biophysical properties (such as structural, functional, and spatial information, amino acid conservation, physicochemical variation, residue mobility, and thermodynamic stability) indicates that this missense variant is expected to disrupt KMT2D protein function with a positive predictive value of 80%. In summary, the available evidence is currently insufficient to determine the role of this variant in disease. Therefore, it has been classified as a Variant of Uncertain Significance.